The following is an entry in ClinVar:

NM_002386.4(MC1R):c.422A>G (p.Asp141Gly)

Gene: MC1R (melanocortin 1 receptor; plus strand). Cytogenetic location: 16q24.3.
Variant type: single nucleotide variant.
Coding change: c.422A>G on transcript NM_002386.4 (MANE Select); coding-DNA position 422, A replaced by G.
Protein change: p.Asp141Gly; replaces aspartic acid 141 with glycine.
Molecular consequence: missense variant.
Genome position (GRCh38, 1-based): chr16:89,919,680, A>G. VCF-style: chr16-89919680-A-G. GRCh37 (hg19) VCF-style: chr16-89986088-A-G.
Other names: short protein forms D141G.
Identifiers: ClinVar variation 4824157 (VCV004824157.1).

ClinVar aggregate classification (germline): Uncertain significance (1 of 4 stars; one submission).

Submission:

Ambry Genetics
Classification: Uncertain significance. Last evaluated: 2026-02-21. Review status: criteria provided, single submitter. Criteria: Ambry Variant Classification Scheme 2023. Collection method: clinical testing. Allele origin: germline.
Comment: The p.D141G variant (also known as c.422A>G), located in coding exon 1 of the MC1R gene, results from an A to G substitution at nucleotide position 422. The aspartic acid at codon 141 is replaced by glycine, an amino acid with similar properties. This amino acid position is conserved. In addition, this alteration is predicted to be deleterious by in silico analysis. Based on the available evidence, the clinical significance of this variant remains unclear.